The following is an entry in ClinVar:

ClinVar aggregate classification (germline): Pathogenic (1 of 4 stars; one submission).

Submission:

Labcorp Genetics (formerly Invitae), Labcorp
Classification: Pathogenic. Last evaluated: 2025-12-15. Review status: criteria provided, single submitter. Criteria: Invitae Variant Classification Sherloc (09022015). Collection method: clinical testing. Allele origin: germline.
Comment: This sequence change creates a premature translational stop signal (p.Glu478delinsAspAlaPhe*) in the TET2 gene. It is expected to result in an absent or disrupted protein product. Loss-of-function variants in TET2 are known to be pathogenic (PMID: 36066697). This variant is not present in population databases (gnomAD no frequency). This variant has not been reported in the literature in individuals affected with TET2-related conditions. For these reasons, this variant has been classified as Pathogenic.

Literature cited by the submitters: PubMed 36066697.

NM_001127208.3(TET2):c.1424_1433dup (p.Glu478delinsAspAlaPheTer)

Genes: TET2 (tet methylcytosine dioxygenase 2; plus strand), TET2-AS1 (TET2 antisense RNA 1; minus strand). Cytogenetic location: 4q24.
Variant type: Duplication.
Coding change: c.1424_1433dup on transcript NM_001127208.3 (MANE Select); coding-DNA positions 1424 to 1433, 10 bases duplicated (TGCTTTCTGA; older notation c.1424_1433dupTGCTTTCTGA).
Protein change: p.Glu478delinsAspAlaPheTer.
Molecular consequence: nonsense.
Genome position (GRCh38, 1-based): chr4:105,235,366-105,235,375, TGCTTTCTGA duplicated; duplicating any 10 consecutive bases within chr4:105,235,364-105,235,375 gives the same sequence; the c. name uses the placement nearest the transcript's 3' end. VCF-style (leftmost placement, unchanged base first): chr4-105235363-C-CGATGCTTTCT. GRCh37 (hg19) VCF-style: chr4-106156520-C-CGATGCTTTCT.
Other names: c.1424_1433dup, p.Glu478delinsAspAlaPheTer (NM_017628.4).
Identifiers: ClinVar variation 4732754 (VCV004732754.1).
Genomic context (GRCh38, chr4:105,235,363, plus strand): 5'-AACCTGAGGCACCACCTTCCCAGAGTCCTAATCCATCTACACATGTATGCAGCCCTTCTC[C>CGATGCTTTCT]GATGCTTTCTGAAAGGCCTCAGAATAATTGTGTGAACAGGAATGACATACAGACTGCAGG-3'